The following is an entry in ClinVar:

NM_001100913.3(PACS2):c.1676G>A (p.Gly559Glu)

Gene: PACS2 (phosphofurin acidic cluster sorting protein 2; plus strand). Cytogenetic location: 14q32.33.
Variant type: single nucleotide variant.
Coding change: c.1676G>A on transcript NM_001100913.3 (MANE Select); coding-DNA position 1676, G replaced by A.
Protein change: p.Gly559Glu; replaces glycine 559 with glutamic acid.
Molecular consequence: missense variant.
Genome position (GRCh38, 1-based): chr14:105,383,409, G>A. VCF-style: chr14-105383409-G-A. GRCh37 (hg19) VCF-style: chr14-105849746-G-A.
Other names: c.1439G>A, p.Gly480Glu (NM_001243127.3); c.1664G>A, p.Gly555Glu (NM_015197.4); short protein forms G555E, G559E, G480E.
Identifiers: ClinVar variation 3705151 (VCV003705151.2).

ClinVar aggregate classification (germline): Uncertain significance (1 of 4 stars; one submission).

Submission:

Labcorp Genetics (formerly Invitae), Labcorp
Classification: Uncertain significance. Last evaluated: 2024-10-06. Review status: criteria provided, single submitter. Criteria: Invitae Variant Classification Sherloc (09022015). Collection method: clinical testing. Allele origin: germline.
Comment: This sequence change replaces glycine, which is neutral and non-polar, with glutamic acid, which is acidic and polar, at codon 559 of the PACS2 protein (p.Gly559Glu). This variant is not present in population databases (gnomAD no frequency). This variant has not been reported in the literature in individuals affected with PACS2-related conditions. Invitae Evidence Modeling of protein sequence and biophysical properties (such as structural, functional, and spatial information, amino acid conservation, physicochemical variation, residue mobility, and thermodynamic stability) indicates that this missense variant is expected to disrupt PACS2 protein function with a positive predictive value of 80%. In summary, the available evidence is currently insufficient to determine the role of this variant in disease. Therefore, it has been classified as a Variant of Uncertain Significance.